The following is an entry in ClinVar:

NM_001613.4(ACTA2):c.616+1G>A

Gene: ACTA2 (actin alpha 2, smooth muscle; minus strand). Cytogenetic location: 10q23.31.
Variant type: single nucleotide variant.
Coding change: c.616+1G>A on transcript NM_001613.4 (MANE Select); the canonical splice donor site of the intron after coding-DNA position 616, G replaced by A.
Molecular consequence: splice donor variant.
Genome position (GRCh38, 1-based): chr10:88,941,228, C>T on the plus strand (G>A on the coding strand, the complement: ACTA2 is on the minus strand). VCF-style: chr10-88941228-C-T. GRCh37 (hg19) VCF-style: chr10-90700985-C-T.
Other names: c.487+1G>A (NM_001406467.1, NM_001406468.1, NM_001406469.1); c.616+1G>A (NM_001320855.2, NM_001406462.1, NM_001406471.1 and 3 more transcripts); c.505+1G>A (NM_001406466.1).
Identifiers: ClinVar variation 4001450 (VCV004001450.1).

ClinVar aggregate classification (germline): Uncertain significance (1 of 4 stars; one submission).

Conditions:
Familial thoracic aortic aneurysm and aortic dissection (TAAD). Also called: Thoracic aortic aneurysms and dissections. Identifiers: Orphanet 91387, MedGen C4707243, MONDO:0019625.

Submission:

Ambry Genetics
Classification: Uncertain significance for Familial thoracic aortic aneurysm and aortic dissection. Last evaluated: 2025-05-30. Review status: criteria provided, single submitter. Criteria: Ambry Variant Classification Scheme 2023. Collection method: clinical testing. Allele origin: germline.
Comment: The c.616+1G>A intronic variant results from a G to A substitution one nucleotide after coding exon 5 of the ACTA2 gene. This nucleotide position is highly conserved in available vertebrate species. In silico splice site analysis predicts that this alteration will weaken the native splice donor site and may result in the creation or strengthening of a novel splice donor site. Alterations that disrupt the canonical splice site are expected to cause aberrant splicing, resulting in an abnormal protein or a transcript that is subject to nonsense-mediated mRNA decay. However, loss of function of ACTA2 has not been established as a mechanism of disease. Based on the available evidence, the clinical significance of this alteration remains unclear.